The following is an entry in ClinVar:

ClinVar aggregate classification (germline): Uncertain significance (0 of 4 stars; one submission).

Conditions:
SDCCAG8-related disorder. Also called: SDCCAG8-Related Disorders; SDCCAG8-related condition.

gnomAD v4.1: 9 of 1,613,862 alleles (0.00056%); highest among the groups gnomAD compares: East Asian, 0.02%; no homozygotes.

Submission:

PreventionGenetics, part of Exact Sciences
Classification: Uncertain significance for SDCCAG8-related condition. Last evaluated: 2023-10-18. Review status: no assertion criteria provided. Collection method: clinical testing. Allele origin: germline.
Comment: The SDCCAG8 c.1906G>C variant is predicted to result in the amino acid substitution p.Gly636Arg. To our knowledge, this variant has not been reported in the literature or in a large population database, indicating this variant is rare. At this time, the clinical significance of this variant is uncertain due to the absence of conclusive functional and genetic evidence.

NM_006642.5(SDCCAG8):c.1906G>C (p.Gly636Arg)

Gene: SDCCAG8 (SHH signaling and ciliogenesis regulator SDCCAG8; plus strand). Cytogenetic location: 1q43.
Variant type: single nucleotide variant.
Coding change: c.1906G>C on transcript NM_006642.5 (MANE Select); coding-DNA position 1906, G replaced by C.
Protein change: p.Gly636Arg; replaces glycine 636 with arginine.
Molecular consequence: missense variant.
Genome position (GRCh38, 1-based): chr1:243,426,479, G>C. VCF-style: chr1-243426479-G-C. GRCh37 (hg19) VCF-style: chr1-243589781-G-C.
Other names: c.1003G>C, p.Gly335Arg (NM_001350246.2, NM_001350247.2, NM_001350251.2); c.2002G>C, p.Gly668Arg (NM_001350248.2); c.1612G>C, p.Gly538Arg (NM_001350249.2); short protein forms G335R, G538R, G636R, G668R.
Identifiers: ClinVar variation 3349680 (VCV003349680.1).